The following is an entry in ClinVar:

ClinVar aggregate classification (germline): Uncertain significance (1 of 4 stars; one submission).

Submission:

Labcorp Genetics (formerly Invitae), Labcorp
Classification: Uncertain significance. Last evaluated: 2025-09-05. Review status: criteria provided, single submitter. Criteria: Invitae Variant Classification Sherloc (09022015). Collection method: clinical testing. Allele origin: germline.
Comment: This sequence change replaces aspartic acid, which is acidic and polar, with glutamic acid, which is acidic and polar, at codon 907 of the KIAA0556 protein (p.Asp907Glu). This variant is not present in population databases (gnomAD no frequency). This variant has not been reported in the literature in individuals affected with KIAA0556-related conditions. An algorithm developed to predict the effect of missense changes on protein structure and function (PolyPhen-2) suggests that this variant is likely to be disruptive. In summary, the available evidence is currently insufficient to determine the role of this variant in disease. Therefore, it has been classified as a Variant of Uncertain Significance.

NM_015202.5(KATNIP):c.2721C>G (p.Asp907Glu)

Gene: KATNIP (katanin interacting protein; plus strand). Cytogenetic location: 16p12.1.
Variant type: single nucleotide variant.
Coding change: c.2721C>G on transcript NM_015202.5 (MANE Select); coding-DNA position 2721, C replaced by G.
Protein change: p.Asp907Glu; replaces aspartic acid 907 with glutamic acid.
Molecular consequence: missense variant.
Genome position (GRCh38, 1-based): chr16:27,749,681, C>G. VCF-style: chr16-27749681-C-G. GRCh37 (hg19) VCF-style: chr16-27761002-C-G.
Other names: short protein forms D907E.
Identifiers: ClinVar variation 4726307 (VCV004726307.1).